The following is an entry in ClinVar:

ClinVar aggregate classification (germline): Conflicting classifications of pathogenicity. Review status: criteria provided, conflicting classifications (1 of 4 stars). 2 submissions from 2 submitters: Uncertain significance (1); Likely benign (1). Last evaluated 2024-09-01.

Allele frequency attached by ClinVar (database versions not stated): ExAC 0.00001; gnomAD exomes 0.00001.

Submissions (2):

CeGaT Center for Human Genetics Tuebingen
Classification: Likely benign. Last evaluated: 2024-09-01. Review status: criteria provided, single submitter. Criteria: CeGaT Center For Human Genetics Tuebingen Variant Classification Criteria Version 2. Collection method: clinical testing. Allele origin: germline. Affected: yes. Observed: 1 variant allele.
Comment: PACS2: BP4

Labcorp Genetics (formerly Invitae), Labcorp
Classification: Uncertain significance. Last evaluated: 2023-08-23. Review status: criteria provided, single submitter. Criteria: Invitae Variant Classification Sherloc (09022015). Collection method: clinical testing. Allele origin: germline.
Comment: In summary, the available evidence is currently insufficient to determine the role of this variant in disease. Therefore, it has been classified as a Variant of Uncertain Significance. An algorithm developed to predict the effect of missense changes on protein structure and function (PolyPhen-2) suggests that this variant is likely to be disruptive. This variant has not been reported in the literature in individuals affected with PACS2-related conditions. This variant is present in population databases (rs782499215, gnomAD 0.002%). This sequence change replaces serine, which is neutral and polar, with glycine, which is neutral and non-polar, at codon 310 of the PACS2 protein (p.Ser310Gly).

NM_001100913.3(PACS2):c.928A>G (p.Ser310Gly)

Gene: PACS2 (phosphofurin acidic cluster sorting protein 2; plus strand). Cytogenetic location: 14q32.33.
Variant type: single nucleotide variant.
Coding change: c.928A>G on transcript NM_001100913.3 (MANE Select); coding-DNA position 928, A replaced by G.
Protein change: p.Ser310Gly; replaces serine 310 with glycine.
Molecular consequence: missense variant.
Genome position (GRCh38, 1-based): chr14:105,376,894, A>G. VCF-style: chr14-105376894-A-G. GRCh37 (hg19) VCF-style: chr14-105843231-A-G.
Other names: c.703A>G, p.Ser235Gly (NM_001243127.3); c.928A>G, p.Ser310Gly (NM_015197.4); short protein forms S235G, S310G.
Identifiers: ClinVar variation 2779532 (VCV002779532.17), dbSNP rs782499215, ClinGen allele CA7388633.